The following is an entry in ClinVar:

NM_021930.6(RINT1):c.1671+1G>C

Gene: RINT1 (RAD50 interactor 1; plus strand). Cytogenetic location: 7q22.3.
Variant type: single nucleotide variant.
Coding change: c.1671+1G>C on transcript NM_021930.6 (MANE Select); the canonical splice donor site of the intron after coding-DNA position 1671, G replaced by C.
Molecular consequence: splice donor variant.
Genome position (GRCh38, 1-based): chr7:105,555,228, G>C. VCF-style: chr7-105555228-G-C. GRCh37 (hg19) VCF-style: chr7-105195675-G-C.
Other names: c.648+1G>C (NM_001346600.2, NM_001346603.2); c.747+1G>C (NM_001346601.2); c.1437+1G>C (NM_001346599.2).
Identifiers: ClinVar variation 2033902 (VCV002033902.4), dbSNP rs2133427390, ClinGen allele CA368812073.
Genomic context (GRCh38, chr7:105,555,228, plus strand): 5'-GCAATTCTTAATGCTGTGAACTACATCTCAACAGTACTAGCAGATTGGGCTGACAATGTT[G>C]TGAGTTAATATGCTTTTATATTAAGTAATATATACTAGTTCGAACTATTTTATTAATACT-3'

ClinVar aggregate classification (germline): Likely pathogenic (1 of 4 stars; one submission).

Submission:

Labcorp Genetics (formerly Invitae), Labcorp
Classification: Likely pathogenic. Last evaluated: 2022-10-03. Review status: criteria provided, single submitter. Criteria: Invitae Variant Classification Sherloc (09022015). Collection method: clinical testing. Allele origin: germline.
Comment: Algorithms developed to predict the effect of sequence changes on RNA splicing suggest that this variant may disrupt the consensus splice site. This variant has not been reported in the literature in individuals affected with RINT1-related conditions. This variant is not present in population databases (gnomAD no frequency). This sequence change affects a donor splice site in intron 11 of the RINT1 gene. It is expected to disrupt RNA splicing. Variants that disrupt the donor or acceptor splice site typically lead to a loss of protein function (PMID: 16199547), and loss-of-function variants in RINT1 are known to be pathogenic (PMID: 31204009). In summary, the currently available evidence indicates that the variant is pathogenic, but additional data are needed to prove that conclusively. Therefore, this variant has been classified as Likely Pathogenic.

Literature cited by the submitters: PubMed 16199547; PubMed 31204009.